The following is an entry in ClinVar:

NM_152268.4(PARS2):c.97G>A (p.Ala33Thr)

Gene: PARS2 (prolyl-tRNA synthetase 2, mitochondrial; minus strand). Cytogenetic location: 1p32.3.
Variant type: single nucleotide variant.
Coding change: c.97G>A on transcript NM_152268.4 (MANE Select); coding-DNA position 97, G replaced by A.
Protein change: p.Ala33Thr; replaces alanine 33 with threonine.
Molecular consequence: missense variant.
Genome position (GRCh38, 1-based): chr1:54,759,065, C>T on the plus strand (G>A on the coding strand, the complement: PARS2 is on the minus strand). VCF-style: chr1-54759065-C-T. GRCh37 (hg19) VCF-style: chr1-55224738-C-T.
Other names: short protein forms A33T.
Identifiers: ClinVar variation 3390395 (VCV003390395.2).
Genomic context (GRCh38, chr1:54,759,065, plus strand): 5'-CCCGAAGGTTCTGTGGCTGGAACACACGAGACAGCAGCAGGCGCCGCCCTCTTCTTGGGG[C>T]ACAGTGGTGAAACCTGCAAGGAACATACCCAGAGAGCTGGCGGCTGCAGGTGGCCAGGGC-3'
Protein context (NP_689481.2, residues 23-43): GYVPCRFHHC[Ala33Thr]PRRGRRLLLS

ClinVar aggregate classification (germline): Uncertain significance (1 of 4 stars; one submission).

Submission:

GeneDx
Classification: Uncertain significance. Last evaluated: 2025-05-29. Review status: criteria provided, single submitter. Criteria: GeneDx Variant Classification Process June 2021. Collection method: clinical testing. Allele origin: germline.
Comment: Not observed at significant frequency in large population cohorts (gnomAD); In silico analysis suggests that this missense variant does not alter protein structure/function; Has not been previously published as pathogenic or benign to our knowledge